The following is an entry in ClinVar:

NM_004870.3(MPDU1):c.-36C>T

Genes: MPDU1 (mannose-P-dolichol utilization defect 1; plus strand), MPDU1-AS1 (MPDU1 antisense RNA 1; minus strand). Cytogenetic location: 17p13.1.
Variant type: single nucleotide variant.
Coding change: c.-36C>T on transcript NM_004870.3; 36 bases upstream of the start codon, C replaced by T.
Molecular consequence: 5 prime UTR variant (on NM_001330073.1). On other transcripts: non-coding transcript variant (1).
Genome position (GRCh38, 1-based): chr17:7,583,827, C>T. VCF-style: chr17-7583827-C-T. GRCh37 (hg19) VCF-style: chr17-7487145-C-T.
Other names: c.-36C>T (NM_001330073.1).
Identifiers: ClinVar variation 325512 (VCV000325512.9), dbSNP rs370389790, ClinGen allele CA8352786.
Genomic context (GRCh38, chr17:7,583,827, plus strand): 5'-CGCGGGAAAAGAACGGGAGGCGGAGTGTCCGCAGCGCGCACGCGCAACGAAAGTCAATGG[C>T]GGTCTGGAGAGACTGGCGGAAGCTAGCTTTGCAATATGGCGGCCGAGGCGGACGGACCGC-3'

ClinVar aggregate classification (germline): Likely benign (1 of 4 stars; one submission).

Allele frequency attached by ClinVar (database versions not stated): ExAC 0.00009; gnomAD 0.00009 and 0.00007; gnomAD exomes 0.00006 and 0.00010; ESP Exome Variant Server 0.00008; TOPMed 0.00014.
gnomAD v4.1: 103 of 1,601,650 alleles (0.0064%); highest among the groups gnomAD compares: Middle Eastern, 0.099%; no homozygotes.

Submissions (2):

GeneDx
Classification: Likely benign. Last evaluated: 2016-12-21. Review status: criteria provided, single submitter. Criteria: GeneDx Variant Classification (06012015). Collection method: clinical testing. Allele origin: germline. Affected: yes.
Comment: This variant is considered likely benign or benign based on one or more of the following criteria: it is a conservative change, it occurs at a poorly conserved position in the protein, it is predicted to be benign by multiple in silico algorithms, and/or has population frequency not consistent with disease.

Seelig Lab, University of Washington
No classification provided (evidence only). Review status: no classification provided. Collection method: in vitro. Allele origin: not applicable. Functional consequence: effect on translation. Not counted in ClinVar's aggregate classification.
ClinVar note: "not provided" was previously submitted as the classification for the variant. However, the classification appeared to be based only on an observation of functional data so it was converted to no classification on 2025-07-30.